The following is an entry in ClinVar:

NM_006269.2(RP1):c.616-6T>C

Gene: RP1 (RP1 axonemal microtubule associated; plus strand). Cytogenetic location: 8q12.1.
Variant type: single nucleotide variant.
Coding change: c.616-6T>C on transcript NM_006269.2 (MANE Select); 6 bases into the intron before coding-DNA position 616, T replaced by C.
Molecular consequence: intron variant.
Genome position (GRCh38, 1-based): chr8:54,622,111, T>C. VCF-style: chr8-54622111-T-C. GRCh37 (hg19) VCF-style: chr8-55534671-T-C.
Identifiers: ClinVar variation 196435 (VCV000196435.63), dbSNP rs186571865, ClinGen allele CA202377.

ClinVar aggregate classification (germline): Benign/Likely benign. Review status: criteria provided, multiple submitters, no conflicts (2 of 4 stars). 9 submissions from 9 submitters: Benign (4); Likely benign (2). 3 of the submissions do not count toward it. Last evaluated 2026-06-01.

Conditions:
Retinitis pigmentosa (RP). Identifiers: Orphanet 791, MedGen C0035334, MeSH D012174, MONDO:0019200, OMIM 268000. Inheritance: Autosomal dominant, autosomal recessive and X linked inheritance.
Retinitis pigmentosa 1 (RP1). Identifiers: Orphanet 791, MedGen C0220701, MONDO:0008377, OMIM 180100.

Allele frequency attached by ClinVar (database versions not stated): 1000 Genomes Project 0.00260; 1000 Genomes Project 30x 0.00328; ESP Exome Variant Server 0.00423; gnomAD 0.00445 and 0.00458; gnomAD exomes 0.00505 and 0.00628; TOPMed 0.00514; ExAC 0.00515.
gnomAD v4.1: 9,806 of 1,614,088 alleles (0.61%); highest among the groups gnomAD compares: Middle Eastern, 1.6%; 41 homozygotes.

Submissions (9):

CeGaT Center for Human Genetics Tuebingen
Classification: Benign. Last evaluated: 2026-06-01. Review status: criteria provided, single submitter. Criteria: CeGaT Center For Human Genetics Tuebingen Variant Classification Criteria Version 2. Collection method: clinical testing. Allele origin: germline. Affected: yes. Observed: 8 variant alleles.
Comment: RP1: BS1, BS2

Labcorp Genetics (formerly Invitae), Labcorp
Classification: Benign. Last evaluated: 2026-01-27. Review status: criteria provided, single submitter. Criteria: Invitae Variant Classification Sherloc (09022015). Collection method: clinical testing. Allele origin: germline.

Genomic Medicine Center of Excellence, King Faisal Specialist Hospital and Research Centre
Classification: Likely benign. Last evaluated: 2025-08-18. Review status: criteria provided, single submitter. Criteria: ACMG Guidelines, 2015. Collection method: clinical testing. Allele origin: germline.

Fulgent Genetics
Classification: Likely benign for Retinitis pigmentosa 1. Last evaluated: 2021-10-13. Review status: criteria provided, single submitter. Criteria: ACMG Guidelines, 2015. Collection method: clinical testing. Allele origin: unknown.

Illumina Laboratory Services, Illumina
Classification: Benign for Retinitis pigmentosa. Last evaluated: 2018-01-13. Review status: criteria provided, single submitter. Criteria: ICSL Variant Classification Criteria 13 December 2019. Collection method: clinical testing. Allele origin: germline.
Comment: This variant was observed in the ICSL laboratory as part of a predisposition screen in an ostensibly healthy population. It had not been previously curated by ICSL or reported in the Human Gene Mutation Database (HGMD: prior to June 1st, 2018), and was therefore a candidate for classification through an automated scoring system. Utilizing variant allele frequency, disease prevalence and penetrance estimates, and inheritance mode, an automated score was calculated to assess if this variant is too frequent to cause the disease. Based on the score and internal cut-off values, a variant classified as benign is not then subjected to further curation. The score for this variant resulted in a classification of benign for this disease.

Eurofins Ntd Llc (ga)
Classification: Benign. Last evaluated: 2014-12-19. Review status: criteria provided, single submitter. Criteria: EGL Classification Definitions 2015. Collection method: clinical testing. Allele origin: germline. Observed: 1 variant allele, 1 heterozygote.

NIHR Bioresource Rare Diseases, University of Cambridge
Classification: Likely pathogenic for Retinitis pigmentosa. Last evaluated: 2015-01-01. Review status: no assertion criteria provided. Collection method: research. Allele origin: unknown. Affected: yes. Observed: 1 variant allele. Not counted in ClinVar's aggregate classification.

Clinical Genetics DNA and cytogenetics Diagnostics Lab, Erasmus MC, Erasmus Medical Center
Classification: Likely benign. Review status: no assertion criteria provided. Collection method: clinical testing. Allele origin: germline. Affected: yes. Study: VKGL Data-share Consensus. Not counted in ClinVar's aggregate classification.

Clinical Genetics, Academic Medical Center
Classification: Likely benign. Review status: no assertion criteria provided. Collection method: clinical testing. Allele origin: germline. Affected: yes. Study: VKGL Data-share Consensus. Not counted in ClinVar's aggregate classification.

Literature cited by the submitters: PubMed 28041643 (cited by NIHR Bioresource Rare Diseases, University of Cambridge).